The following is an entry in ClinVar:

ClinVar aggregate classification (germline): Uncertain significance (1 of 4 stars; one submission).

Allele frequency attached by ClinVar (database versions not stated): gnomAD exomes 0.00003; ExAC 0.00004.
gnomAD v4.1: 40 of 1,567,510 alleles (0.0026%); highest among the groups gnomAD compares: South Asian, 0.0035%; no homozygotes.

Submission:

Labcorp Genetics (formerly Invitae), Labcorp
Classification: Uncertain significance. Last evaluated: 2025-02-27. Review status: criteria provided, single submitter. Criteria: Invitae Variant Classification Sherloc (09022015). Collection method: clinical testing. Allele origin: germline.
Comment: This sequence change replaces proline, which is neutral and non-polar, with leucine, which is neutral and non-polar, at codon 231 of the TCF3 protein (p.Pro231Leu). The frequency data for this variant in the population databases is considered unreliable, as metrics indicate poor data quality at this position in the gnomAD database. This variant has not been reported in the literature in individuals affected with TCF3-related conditions. ClinVar contains an entry for this variant (Variation ID: 2417651). Invitae Evidence Modeling of protein sequence and biophysical properties (such as structural, functional, and spatial information, amino acid conservation, physicochemical variation, residue mobility, and thermodynamic stability) indicates that this missense variant is not expected to disrupt TCF3 protein function with a negative predictive value of 80%. In summary, the available evidence is currently insufficient to determine the role of this variant in disease. Therefore, it has been classified as a Variant of Uncertain Significance.

NM_003200.5(TCF3):c.692C>T (p.Pro231Leu)

Gene: TCF3 (transcription factor 3; minus strand). Cytogenetic location: 19p13.3.
Variant type: single nucleotide variant.
Coding change: c.692C>T on transcript NM_003200.5 (MANE Select); coding-DNA position 692, C replaced by T.
Protein change: p.Pro231Leu; replaces proline 231 with leucine.
Molecular consequence: missense variant.
Genome position (GRCh38, 1-based): chr19:1,622,184, G>A on the plus strand (C>T on the coding strand, the complement: TCF3 is on the minus strand). VCF-style: chr19-1622184-G-A. GRCh37 (hg19) VCF-style: chr19-1622183-G-A.
Other names: c.692C>T, p.Pro231Leu (NM_001136139.4, NM_001351778.2, NM_001351779.2); short protein forms P231L.
Identifiers: ClinVar variation 2417651 (VCV002417651.6), dbSNP rs771354127, ClinGen allele CA9050255.